The following is an entry in ClinVar:

NM_006922.4(SCN3A):c.4240G>T (p.Ala1414Ser)

Gene: SCN3A (sodium voltage-gated channel alpha subunit 3; minus strand). Cytogenetic location: 2q24.3.
Variant type: single nucleotide variant.
Coding change: c.4240G>T on transcript NM_006922.4 (MANE Select); coding-DNA position 4240, G replaced by T.
Protein change: p.Ala1414Ser; replaces alanine 1414 with serine.
Molecular consequence: missense variant.
Genome position (GRCh38, 1-based): chr2:165,096,520, C>A on the plus strand (G>T on the coding strand, the complement: SCN3A is on the minus strand). VCF-style: chr2-165096520-C-A. GRCh37 (hg19) VCF-style: chr2-165953030-C-A.
Other names: c.4093G>T, p.Ala1365Ser (NM_001081676.2, NM_001081677.2); short protein forms A1365S, A1414S.
Identifiers: ClinVar variation 4775979 (VCV004775979.1).

ClinVar aggregate classification (germline): Uncertain significance (1 of 4 stars; one submission).

Submission:

Labcorp Genetics (formerly Invitae), Labcorp
Classification: Uncertain significance. Last evaluated: 2025-09-10. Review status: criteria provided, single submitter. Criteria: Invitae Variant Classification Sherloc (09022015). Collection method: clinical testing. Allele origin: germline.
Comment: This sequence change replaces alanine, which is neutral and non-polar, with serine, which is neutral and polar, at codon 1414 of the SCN3A protein (p.Ala1414Ser). This variant is not present in population databases (gnomAD no frequency). This variant has not been reported in the literature in individuals affected with SCN3A-related conditions. An algorithm developed to predict the effect of missense changes on protein structure and function (PolyPhen-2) suggests that this variant is likely to be disruptive. In summary, the available evidence is currently insufficient to determine the role of this variant in disease. Therefore, it has been classified as a Variant of Uncertain Significance.